The following is an entry in ClinVar:

NM_000545.8(HNF1A):c.1816G>A (p.Gly606Ser)

Genes: C12orf43 (chromosome 12 open reading frame 43; minus strand), HNF1A (HNF1 homeobox A; plus strand). Cytogenetic location: 12q24.31.
Variant type: single nucleotide variant.
Coding change: c.1816G>A on transcript NM_000545.8 (MANE Select); coding-DNA position 1816, G replaced by A.
Protein change: p.Gly606Ser; replaces glycine 606 with serine.
Molecular consequence: missense variant. On other transcripts: 3 prime UTR variant (3).
Genome position (GRCh38, 1-based): chr12:121,001,112, G>A. VCF-style: chr12-121001112-G-A. GRCh37 (hg19) VCF-style: chr12-121438915-G-A.
Other names: NM_022895.3:c.*3041C>T; NP_000536.6:p.(Gly606Ser); NM_000545.8(HNF1A):c.1816G>A; p.Gly606Ser; c.*3041C>T (NM_001286191.2, NM_001286196.2, NM_022895.3); c.1837G>A, p.Gly613Ser (NM_001306179.2); c.1624G>A, p.Gly542Ser (NM_001406915.1); short protein forms G606S, G613S, G542S.
Identifiers: ClinVar variation 1687069 (VCV001687069.8), dbSNP rs753972576, ClinGen allele CA6832201.

ClinVar aggregate classification (germline): Benign. Review status: reviewed by expert panel (3 of 4 stars). 3 submissions from 3 submitters: Benign (1). 2 of the submissions do not count toward it. Last evaluated 2025-10-03.

Conditions:
Maturity-onset diabetes of the young type 3. Also called: MODY type 3; MODY, type III. Identifiers: Orphanet 552, MedGen C1838100, MeSH C563933, MONDO:0010894, OMIM 600496. Disease mechanism: loss of function.
Monogenic diabetes. Identifiers: Orphanet 183625, MedGen C3888631, MONDO:0015967.

Allele frequency attached by ClinVar (database versions not stated): TOPMed below 0.00001; gnomAD exomes 0.00003 and 0.00005; ExAC 0.00005.

Submissions (3):

ClinGen Monogenic Diabetes Variant Curation Expert Panel
Classification: Benign for Monogenic diabetes. Last evaluated: 2025-10-03. Review status: reviewed by expert panel. Criteria: ClinGen Diabetes ACMG Specifications HNF1A V3.0.0. Collection method: curation. Allele origin: germline. Inheritance: Autosomal dominant inheritance.
Comment: The c.1816G>A variant in the HNF1 homeobox A gene, HNF1A, causes an amino acid change of glycine to serine at codon 606 (p.(Gly606Ser)) of NM_000545.8. This variant has a Grpmax filtering allele frequency of 0.0003196 in gnomAD v4.1.0 exomes, which is above the MDEP cutoff for BA1 (>0.0001) (BA1). Functional studies demonstrated the p.Gly606Ser protein has DNA binding above 75% of wild type and abnormal nuclear localization/transactivation above 75% of wildtype, indicating that this variant does not impact protein function (PMID: 32910913) (BS3_Supporting). This variant was identified in an individual with diabetes; however, the MODY probability is unable to be calculated due to insufficient clinical information, and PP4 cannot be applied (PMID: 22432108). In summary, c.1816G>A meets the criteria to be classified as benign for monogenic diabetes. ACMG/AMP criteria applied, as specified by the ClinGen MDEP (specification version 3.0.0, approved 6/30/2025): BA1, BS3_Supporting.

Labcorp Genetics (formerly Invitae), Labcorp
Classification: Likely benign. Last evaluated: 2024-05-16. Review status: criteria provided, single submitter. Criteria: Invitae Variant Classification Sherloc (09022015). Collection method: clinical testing. Allele origin: germline. Not counted in ClinVar's aggregate classification.

Department Of Endocrinology, Sanjay Gandhi Postgraduate Institute Of Medical Sciences
Classification: Uncertain significance for Maturity-onset diabetes of the young type 3. Last evaluated: 2023-08-15. Review status: criteria provided, single submitter. Criteria: ACMG Guidelines, 2015. Collection method: clinical testing. Allele origin: unknown. Inheritance: Autosomal dominant inheritance. Affected: yes. Observed: 1 heterozygote. Not counted in ClinVar's aggregate classification.
Comment: Heterozygous missense variation in exon 9 of the HNF1A gene (chr12:g.121001112G>A) that results in the amino acid substitution of Serine for Glycine at codon 637. The variant has not been reported in the 1000 genomes database and has a frequency of 0.000007 in the gnomAD genomes database. The in silico prediction of the variant is damaging by MutationTaster2, and benign by PolyPhen2 and SIFT. The variant has previously been described in a patient with suspected MODY (PMID: 22432108). However, a later publication examining the functional significance of the variant found that it was of uncertain significance/likely benign (PMID: 32910913). PP2, BP6

Literature cited by the submitters: PubMed 32910913 (cited by ClinGen Monogenic Diabetes Variant Curation Expert Panel and Department Of Endocrinology, Sanjay Gandhi Postgraduate Institute Of Medical Sciences); PubMed 22432108 (cited by Department Of Endocrinology, Sanjay Gandhi Postgraduate Institute Of Medical Sciences).